The following is an entry in ClinVar:

NM_001165963.4(SCN1A):c.964+1G>A

Gene: SCN1A (sodium voltage-gated channel alpha subunit 1; minus strand). Cytogenetic location: 2q24.3.
Variant type: single nucleotide variant.
Coding change: c.964+1G>A on transcript NM_001165963.4 (MANE Select); the canonical splice donor site of the intron after coding-DNA position 964, G replaced by A.
Molecular consequence: splice donor variant.
Genome position (GRCh38, 1-based): chr2:166,051,718, C>T on the plus strand (G>A on the coding strand, the complement: SCN1A is on the minus strand). VCF-style: chr2-166051718-C-T. GRCh37 (hg19) VCF-style: chr2-166908228-C-T.
Other names: c.964+1G>A (NM_001353949.2, NM_001353958.2, NM_001353950.2 and 10 more transcripts); c.-1462+1G>A (NM_001353961.2).
Identifiers: ClinVar variation 652611 (VCV000652611.12), dbSNP rs1574263047, ClinGen allele CA349072414.
Genomic context (GRCh38, chr2:166,051,718, plus strand): 5'-TTTGTGTTACAAACAATCCAATTCTACTTTTTAAGGAAATGTACATAACAATAATTCTTA[C>T]TTGAATCTTGAATATATGACTTCCAGTCAAACTCAAAGACAGTTTCATTTATAAGTGTAC-3'

ClinVar aggregate classification (germline): Pathogenic (1 of 4 stars; one submission).

Conditions:
Early-infantile DEE. Also called: Early infantile epileptic encephalopathy with suppression bursts; Early infantile epileptic encephalopathy; Ohtahara syndrome. Identifiers: Orphanet 1934, MedGen C0393706, MONDO:0800491.

Submission:

Labcorp Genetics (formerly Invitae), Labcorp
Classification: Pathogenic for Early-infantile DEE. Last evaluated: 2022-02-04. Review status: criteria provided, single submitter. Criteria: Invitae Variant Classification Sherloc (09022015). Collection method: clinical testing. Allele origin: germline.
Comment: For these reasons, this variant has been classified as Pathogenic. Algorithms developed to predict the effect of sequence changes on RNA splicing suggest that this variant may disrupt the consensus splice site. ClinVar contains an entry for this variant (Variation ID: 652611). Disruption of this splice site has been observed in individual(s) with clinical features of early infantile epileptic encephalopathy (Invitae). In at least one individual the variant was observed to be de novo. This variant is not present in population databases (gnomAD no frequency). This sequence change affects a donor splice site in intron 6 of the SCN1A gene. It is expected to disrupt RNA splicing. Variants that disrupt the donor or acceptor splice site typically lead to a loss of protein function (PMID: 16199547), and loss-of-function variants in SCN1A are known to be pathogenic (PMID: 17347258, 18930999).

Literature cited by the submitters: PubMed 16199547; PubMed 17347258; PubMed 18930999.